The following is an entry in ClinVar:

NM_024426.6(WT1):c.662-1965G>T

Genes: WT1 (WT1 transcription factor; minus strand), LOC107982234 (WT1/WT1-AS bi-directional promoter region; plus strand). Cytogenetic location: 11p13.
Variant type: single nucleotide variant.
Coding change: c.662-1965G>T on transcript NM_024426.6 (MANE Select); 1965 bases into the intron before coding-DNA position 662, G replaced by T.
Molecular consequence: intron variant. On other transcripts: 5 prime UTR variant (2).
Genome position (GRCh38, 1-based): chr11:32,430,584, C>A on the plus strand (G>T on the coding strand, the complement: WT1 is on the minus strand). VCF-style: chr11-32430584-C-A. GRCh37 (hg19) VCF-style: chr11-32452130-C-A.
Other names: c.662-1965G>T (NM_001407045.1, NM_001407044.1, NM_001407046.1 and 4 more transcripts); c.443-1965G>T (NM_001429034.1, NM_001429033.1, NM_001429032.1 and 1 more transcripts); c.-101-1965G>T (NM_001407051.1); c.-45G>T (NM_001198551.2, NM_001198552.2); c.662-2526G>T (NM_001407050.1, NM_001407047.1).
Identifiers: ClinVar variation 4856925 (VCV004856925.2).

ClinVar aggregate classification (germline): Likely benign (1 of 4 stars; one submission).

gnomAD v4.1: 11 of 1,605,628 alleles (0.00069%); highest among the groups gnomAD compares: Non-Finnish European, 0.00094%; no homozygotes.

Submission:

Dasa
Classification: Likely benign. Last evaluated: 2026-03-16. Review status: criteria provided, single submitter. Criteria: DASA Assertion Criteria. Collection method: clinical testing. Allele origin: germline.
Comment: NM_001198551.1(WT1):c.-45G>T is an intronic variant. The variant context is inconsistent with a known disease-causing mechanism. Computational prediction algorithms are consistent with a benign effect. Therefore, based on the currently available evidence, this variant is classified as likely benign.